The following is an entry in ClinVar:

ClinVar aggregate classification (germline): Benign/Likely benign. Review status: criteria provided, multiple submitters, no conflicts (2 of 4 stars). 10 submissions from 10 submitters: Benign (8); Likely benign (1). 1 of the submissions does not count toward it. Last evaluated 2026-02-04.

Conditions:
Noonan syndrome 1 (NS1). Also called: FEMALE PSEUDO-TURNER SYNDROME; TURNER PHENOTYPE WITH NORMAL KARYOTYPE; PTPN11-Related Noonan Syndrome. Identifiers: Orphanet 648, MedGen C4551602, MONDO:0008104, OMIM 163950. Disease mechanism: gain of function.
Colorectal cancer. Also called: Colorectal cancer, somatic; Malignant Colorectal Neoplasm. Identifiers: MedGen C0346629, MONDO:0005575, OMIM 114500.
Cardiofaciocutaneous syndrome 1 (CFC1). Also called: BRAF-Related Cardiofaciocutaneous Syndrome. Identifiers: Orphanet 1340, MedGen CN029449, MONDO:0007265, OMIM 115150. Disease mechanism: gain of function.
LEOPARD syndrome 3 (LPRD3). Identifiers: Orphanet 500, MedGen C3150971, MONDO:0013380, OMIM 613707.
Noonan syndrome 7 (NS7). Also called: BRAF-Related Noonan Syndrome. Identifiers: Orphanet 648, MedGen C3150970, MONDO:0013379, OMIM 613706.
Melanoma, cutaneous malignant, susceptibility to, 1 (CMM1). Also called: MELANOMA, MALIGNANT; B-K MOLE SYNDROME; DYSPLASTIC NEVUS SYNDROME, HEREDITARY; FAMILIAL ATYPICAL MOLE-MALIGNANT MELANOMA SYNDROME. Identifiers: Orphanet 618, MedGen C1835047, MONDO:0007963, OMIM 155600.
Lung cancer. Also called: Lung cancer, somatic; Malignant tumor of lung. Identifiers: MedGen C0242379, MONDO:0008903, OMIM 211980.
RASopathy. Also called: rasopathies; Noonan spectrum disorder. Identifiers: Orphanet 536391, MedGen C5555857, MONDO:0021060.

Allele frequency attached by ClinVar (database versions not stated): TOPMed 0.31207; ESP Exome Variant Server 0.31593; 1000 Genomes Project 0.34804; 1000 Genomes Project 30x 0.35212.
gnomAD v4.1: 283,367 of 1,609,598 alleles (18%); highest among the groups gnomAD compares: African/African-American, 67%; 37,044 homozygotes.

Submissions (10):

Labcorp Genetics (formerly Invitae), Labcorp
Classification: Benign for RASopathy. Last evaluated: 2026-02-04. Review status: criteria provided, single submitter. Criteria: Invitae Variant Classification Sherloc (09022015). Collection method: clinical testing. Allele origin: germline.

Blueprint Genetics
Classification: Benign. Last evaluated: 2024-11-27. Review status: criteria provided, single submitter. Criteria: ACMG Guidelines, 2015. Collection method: clinical testing. Allele origin: germline.

Fulgent Genetics
Classification: Likely benign for Colorectal cancer; Cardiofaciocutaneous syndrome 1; Melanoma, cutaneous malignant, susceptibility to, 1; Noonan syndrome 1; Lung cancer; Noonan syndrome 7; LEOPARD syndrome 3. Last evaluated: 2021-12-12. Review status: criteria provided, single submitter. Criteria: ACMG Guidelines, 2015. Collection method: clinical testing. Allele origin: unknown.

Women's Health and Genetics/Laboratory Corporation of America, LabCorp
Classification: Benign. Last evaluated: 2019-08-12. Review status: criteria provided, single submitter. Criteria: LabCorp Variant Classification Summary - May 2015. Collection method: clinical testing. Allele origin: germline.
Comment: Variant summary: BRAF c.1992+16G>C alters a non-conserved nucleotide located close to a canonical splice site and therefore could affect mRNA splicing, leading to a significantly altered protein sequence. 5/5 computational tools predict no significant impact on normal splicing. However, these predictions have yet to be confirmed by functional studies. The variant allele was found at a frequency of 0.2 in 250290 control chromosomes, predominantly at a frequency of 0.67 within the African or African-American subpopulation in the gnomAD database, including 3698 homozygotes. Therefore, suggesting the variant is the major allele in population(s) of African American origin. Three ClinVar submissions (evaluation after 2014) cite the variant as benign. Based on the evidence outlined above, the variant was classified as benign.

Laboratory for Molecular Medicine, Mass General Brigham Personalized Medicine
Classification: Benign. Last evaluated: 2016-04-25. Review status: criteria provided, single submitter. Criteria: LMM Criteria. Collection method: clinical testing. Allele origin: germline.
Comment: Variant identified in a genome or exome case(s) and assessed due to predicted null impact of the variant or pathogenic assertions in the literature or databases. Disclaimer: This variant has not undergone full assessment. The following are preliminary notes: Frequency in ESP (all): 4109/13006=31.59%

Eurofins Ntd Llc (ga)
Classification: Benign. Last evaluated: 2015-05-19. Review status: criteria provided, single submitter. Criteria: EGL Classification Definitions 2015. Collection method: clinical testing. Allele origin: germline. Observed: 4 variant alleles, 4 heterozygotes.

Breakthrough Genomics
Classification: Benign. Review status: criteria provided, single submitter. Criteria: ACMG Guidelines, 2015. Collection method: not provided. Allele origin: germline. Inheritance: Autosomal dominant inheritance. Affected: yes.

GeneDx
Classification: Benign for Rasopathy. Review status: criteria provided, single submitter. Criteria: GeneDx Variant Classification (06012015). Collection method: clinical testing. Allele origin: unknown.
ClinVar note: Converted during submission from POLY to Benign.

PreventionGenetics, part of Exact Sciences
Classification: Benign. Review status: criteria provided, single submitter. Criteria: ACMG Guidelines, 2015. Collection method: clinical testing. Allele origin: germline.

Greenwood Genetic Center Diagnostic Laboratories, Greenwood Genetic Center
Classification: Benign. Last evaluated: 2015-01-15. Review status: no assertion criteria provided. Collection method: clinical testing. Allele origin: germline. Not counted in ClinVar's aggregate classification.

Literature cited by the submitters: PubMed 24920063 (cited by Women's Health and Genetics/Laboratory Corporation of America, LabCorp).

NM_004333.6(BRAF):c.1992+16G>C

Gene: BRAF (B-Raf proto-oncogene, serine/threonine kinase; minus strand). Cytogenetic location: 7q34.
Variant type: single nucleotide variant.
Coding change: c.1992+16G>C on transcript NM_004333.6 (MANE Select); 16 bases into the intron after coding-DNA position 1992, G replaced by C.
Molecular consequence: intron variant.
Genome position (GRCh38, 1-based): chr7:140,749,271, C>G on the plus strand (G>C on the coding strand, the complement: BRAF is on the minus strand). VCF-style: chr7-140749271-C-G. GRCh37 (hg19) VCF-style: chr7-140449071-C-G.
Other names: c.1992+16G>C (NM_001378474.1, NM_001378468.1, NM_001354609.2); c.1890+16G>C (NM_001378470.1); c.1728+16G>C (NM_001378475.1); c.1881+16G>C (NM_001378471.1); c.2112+16G>C (NM_001374258.1, NM_001374244.1); c.2001+16G>C (NM_001378467.1); c.1836+16G>C (NM_001378472.1, NM_001378473.1); c.1926+16G>C (NM_001378469.1).
Identifiers: ClinVar variation 40393 (VCV000040393.24), dbSNP rs3789806, ClinGen allele CA145582.